The following is an entry in ClinVar:

ClinVar aggregate classification (germline): Likely pathogenic (1 of 4 stars; one submission).

Conditions:
Donnai-Barrow syndrome. Also called: DBS/FOAR SYNDROME; FACIOOCULOACOUSTICORENAL SYNDROME. Identifiers: Orphanet 2143, MedGen C1857277, MONDO:0009104, OMIM 222448.

Submission:

Dasa
Classification: Likely pathogenic for Donnai-Barrow syndrome. Last evaluated: 2025-04-20. Review status: criteria provided, single submitter. Criteria: DASA Assertion Criteria. Collection method: clinical testing. Allele origin: germline.
Comment: NM_004525.3(LRP2):c.772dup (p.Ser258Lysfs*5) is a frameshift variant in LRP2 predicted to alter the reading frame and introduce a premature termination codon and is predicted to result in an absent or altered protein product. Loss of function is an established disease mechanism for LRP2-associated disorders. Also, this variant is absent from population databases. Based on the currently available evidence, this variant is classified as likely pathogenic.

NM_004525.3(LRP2):c.772dup (p.Ser258fs)

Gene: LRP2 (LDL receptor related protein 2; minus strand). Cytogenetic location: 2q31.1.
Variant type: Duplication.
Coding change: c.772dup on transcript NM_004525.3 (MANE Select); coding-DNA position 772, one base duplicated (A; older notation c.772dupA).
Protein change: p.Ser258fs; shifts the reading frame from serine 258.
Molecular consequence: frameshift variant.
Genome position (GRCh38, 1-based): chr2:169,290,995, T duplicated on the plus strand (A on the coding strand, the reverse complement: LRP2 is on the minus strand); the first of 3 consecutive T bases (chr2:169,290,995-169,290,997); duplicating any one gives the same sequence. VCF-style (leftmost placement, unchanged base first): chr2-169290994-C-CT. GRCh37 (hg19) VCF-style: chr2-170147504-C-CT.
Other names: short protein forms S258fs.
Identifiers: ClinVar variation 4880545 (VCV004880545.2).